The following is an entry in ClinVar:

ClinVar aggregate classification (germline): Uncertain significance (1 of 4 stars; one submission).

gnomAD v4.1: 1 of 1,613,994 alleles (0.000062%); highest among the groups gnomAD compares: Non-Finnish European, 0.000085%; no homozygotes.

Submission:

GeneDx
Classification: Uncertain significance. Last evaluated: 2025-03-06. Review status: criteria provided, single submitter. Criteria: GeneDx Variant Classification Process June 2021. Collection method: clinical testing. Allele origin: germline. Affected: yes.
Comment: Not observed at significant frequency in large population cohorts (gnomAD); In silico analysis supports that this missense variant has a deleterious effect on protein structure/function; Has not been previously published as pathogenic or benign to our knowledge

NM_001242896.3(DEPDC5):c.303A>T (p.Glu101Asp)

Gene: DEPDC5 (DEP domain containing 5, GATOR1 subcomplex subunit; plus strand). Cytogenetic location: 22q12.2.
Variant type: single nucleotide variant.
Coding change: c.303A>T on transcript NM_001242896.3 (MANE Select); coding-DNA position 303, A replaced by T.
Protein change: p.Glu101Asp; replaces glutamic acid 101 with aspartic acid.
Molecular consequence: missense variant. On other transcripts: non-coding transcript variant (5), intron variant (2).
Genome position (GRCh38, 1-based): chr22:31,766,608, A>T. VCF-style: chr22-31766608-A-T. GRCh37 (hg19) VCF-style: chr22-32162594-A-T.
Other names: c.303A>T, p.Glu101Asp (NM_001007188.4, NM_001136029.4, NM_001242897.2 and 7 more transcripts); c.279+1548A>T (NM_001369902.1, NM_001369901.1); short protein forms E101D.
Identifiers: ClinVar variation 4086526 (VCV004086526.1).
Genomic context (GRCh38, chr22:31,766,608, plus strand): 5'-AGTAATGTCAGAGATATCATTTGATTATTCCTTTTAGGATGTGACCCTTGACCTAGTGGA[A>T]TTAACTTTTAAGGATCAGTATATTGGCCGTGGGGATATGTGGCGACTAAAGAAAAGTTTG-3'
Protein context (NP_001229825.1, residues 91-111): DPKDVTLDLV[Glu101Asp]LTFKDQYIGR